The following is an entry in ClinVar:

NM_001270508.2(TNFAIP3):c.281C>T (p.Ala94Val)

Gene: TNFAIP3 (TNF alpha induced protein 3; plus strand). Cytogenetic location: 6q23.3.
Variant type: single nucleotide variant.
Coding change: c.281C>T on transcript NM_001270508.2 (MANE Select); coding-DNA position 281, C replaced by T.
Protein change: p.Ala94Val; replaces alanine 94 with valine.
Molecular consequence: missense variant.
Genome position (GRCh38, 1-based): chr6:137,871,508, C>T. VCF-style: chr6-137871508-C-T. GRCh37 (hg19) VCF-style: chr6-138192645-C-T.
Other names: c.281C>T, p.Ala94Val (NM_001270507.2, NM_006290.4); short protein forms A94V.
Identifiers: ClinVar variation 1521312 (VCV001521312.9), dbSNP rs776714084, ClinGen allele CA4019374.
Genomic context (GRCh38, chr6:137,871,508, plus strand): 5'-AGGCCACCCTGGAAAGCCAGAAGAAACTCAACTGGTGTCGAGAAGTCCGGAAGCTTGTGG[C>T]GCTGAAAACGAACGGTAAGACTTGTTCTGTTGTGTTTCTTTTGCCTGGGTGATAGCTCCC-3'
Protein context (NP_001257437.1, residues 84-104): NWCREVRKLV[Ala94Val]LKTNGDGNCL

ClinVar aggregate classification (germline): Uncertain significance. Review status: criteria provided, multiple submitters, no conflicts (2 of 4 stars). 2 submissions from 2 submitters: Uncertain significance (2). Last evaluated 2026-01-24.

Allele frequency attached by ClinVar (database versions not stated): ExAC 0.00001; gnomAD 0.00001; gnomAD exomes 0.00001; TOPMed 0.00004.
gnomAD v4.1: 15 of 1,613,874 alleles (0.00093%); highest among the groups gnomAD compares: African/African-American, 0.0027%; no homozygotes.

Submissions (2):

Labcorp Genetics (formerly Invitae), Labcorp
Classification: Uncertain significance. Last evaluated: 2026-01-24. Review status: criteria provided, single submitter. Criteria: Invitae Variant Classification Sherloc (09022015). Collection method: clinical testing. Allele origin: germline.
Comment: This sequence change replaces alanine, which is neutral and non-polar, with valine, which is neutral and non-polar, at codon 94 of the TNFAIP3 protein (p.Ala94Val). This variant is present in population databases (rs776714084, gnomAD 0.007%). This variant has not been reported in the literature in individuals affected with TNFAIP3-related conditions. ClinVar contains an entry for this variant (Variation ID: 1521312). Invitae Evidence Modeling of protein sequence and biophysical properties (such as structural, functional, and spatial information, amino acid conservation, physicochemical variation, residue mobility, and thermodynamic stability) indicates that this missense variant is not expected to disrupt TNFAIP3 protein function with a negative predictive value of 80%. In summary, the available evidence is currently insufficient to determine the role of this variant in disease. Therefore, it has been classified as a Variant of Uncertain Significance.

Blueprint Genetics
Classification: Uncertain significance. Last evaluated: 2021-04-28. Review status: criteria provided, single submitter. Criteria: ACMG Guidelines, 2015. Collection method: clinical testing. Allele origin: germline.